The following is an entry in ClinVar:

NM_000322.5(PRPH2):c.581+5G>A

Gene: PRPH2 (peripherin 2; minus strand). Cytogenetic location: 6p21.1.
Variant type: single nucleotide variant.
Coding change: c.581+5G>A on transcript NM_000322.5 (MANE Select); 5 bases into the intron after coding-DNA position 581, G replaced by A.
Molecular consequence: intron variant.
Genome position (GRCh38, 1-based): chr6:42,721,749, C>T on the plus strand (G>A on the coding strand, the complement: PRPH2 is on the minus strand). VCF-style: chr6-42721749-C-T. GRCh37 (hg19) VCF-style: chr6-42689487-C-T.
Identifiers: ClinVar variation 1064590 (VCV001064590.4), dbSNP rs2152010844, ClinGen allele CA2499218255.
Genomic context (GRCh38, chr6:42,721,749, plus strand): 5'-GAGGCCTGAGCCTCAGTGTCCCCAATATATTCATAGCTCTGACCCCAGGACTGGAAGCCA[C>T]TCACTCTTTGACTTCTTTGGAGGAAAAGTCCAGGTAGCGATTGCTGATCCACTGAATCTC-3'

ClinVar aggregate classification (germline): Conflicting classifications of pathogenicity. Review status: criteria provided, conflicting classifications (1 of 4 stars). 2 submissions from 2 submitters: Likely pathogenic (1); Uncertain significance (1). Last evaluated 2025-10-16.

Conditions:
PRPH2-related disorder. Also called: PRPH2-related condition; PRPH2-related disorders. Identifiers: MedGen CN239395.
Patterned macular dystrophy 1. Also called: MACULAR DYSTROPHY, BUTTERFLY-SHAPED PIGMENTARY; BUTTERFLY DYSTROPHY OF RETINAL PIGMENT EPITHELIUM. Identifiers: Orphanet 99001, MedGen C4551999, MONDO:0008210, OMIM 169150.

Submissions (2):

Labcorp Genetics (formerly Invitae), Labcorp
Classification: Uncertain significance for PRPH2-related disorder. Last evaluated: 2025-10-16. Review status: criteria provided, single submitter. Criteria: Invitae Variant Classification Sherloc (09022015). Collection method: clinical testing. Allele origin: germline.
Comment: This sequence change falls in intron 1 of the PRPH2 gene. It does not directly change the encoded amino acid sequence of the PRPH2 protein. It affects a nucleotide within the consensus splice site. This variant is not present in population databases (gnomAD no frequency). This variant has been observed in individual(s) with PRPH2-related conditions (PMID: 34906502). ClinVar contains an entry for this variant (Variation ID: 1064590). Studies have shown that this variant alters PRPH2 gene expression (PMID: 34906502). Variants that disrupt the consensus splice site are a relatively common cause of aberrant splicing (PMID: 17576681, 9536098). Algorithms developed to predict the effect of sequence changes on RNA splicing suggest that this variant may disrupt the consensus splice site. In summary, the available evidence is currently insufficient to determine the role of this variant in disease. Therefore, it has been classified as a Variant of Uncertain Significance.

Kids Neuroscience Centre, Sydney Children's Hospitals Network
Classification: Likely pathogenic for Patterned macular dystrophy 1. Review status: criteria provided, single submitter. Criteria: Bournazos AM et al. (Genet Med 2021). Collection method: clinical testing. Allele origin: unknown. Inheritance: Autosomal dominant inheritance. Affected: yes. Observed: 1 heterozygote.
Comment: RT-PCRs inferred that the c.581+5G>A variant allele does not produce transcripts with exon 1. Instead, RT-PCR results indicate that transcription is initiated from exon 2, though we are unable to determine the precise transcription start site. A single nucleotide variant within PRPH2 exon 3 (c.910C>G) is of great diagnostic relevance in this case. While the c.910C>G variant is present in PCR products generated using primers in exon 2 and exon 3 (reverse primer within the 3’ untranslated region), only the variant G is present in the amplicon derived using a junctional primer bridging exons 1 and 2, with a reverse primer in exon 3, which is a technical approach that specifically amplifies normally spliced PRPH2 transcripts. Initiation of transcription from exon 2 will have catastrophic consequences for the encoded PRPH2 protein. There are several potential methionine ATG start codons in exon 2, both in -frame and out of frame. Use of an in -frame start methionine toward the end of exon 2 will severely truncate the encoded PRPH2 protein, removing three transmembrane spanning domains from the conserved tetraspanin domain. Therefore, the encoded, truncated PRPH2 protein is likely to be dys/non-functional. Other possible outcomes involve translation initiation from out -of-frame ATG codons, which will result in absence of part-encoded PRPH2 protein. It is not possible to predict reliably which initiation ATG codon(s) will be used by the ribosome. Collective results therefore suggest that only severely truncated PRPH2 protein can be derived from the allele bearing the PRPH2 c.581+5G>A variant. As loss of function variants are an established causal basis for PRPH2 associated macular dystrophy, collective evidence from RT-PCR are consistent with PRPH2 c.581+5G>A as a likely causal variant.

Literature cited by the submitters: PubMed 34906502 (cited by Labcorp Genetics (formerly Invitae), Labcorp); PubMed 17576681 (cited by Labcorp Genetics (formerly Invitae), Labcorp); PubMed 9536098 (cited by Labcorp Genetics (formerly Invitae), Labcorp).